The following is an entry in ClinVar:

NM_001282531.3(ADNP):c.647G>A (p.Arg216Gln)

Gene: ADNP (activity dependent neuroprotector homeobox; minus strand). Cytogenetic location: 20q13.13.
Variant type: single nucleotide variant.
Coding change: c.647G>A on transcript NM_001282531.3 (MANE Select); coding-DNA position 647, G replaced by A.
Protein change: p.Arg216Gln; replaces arginine 216 with glutamine.
Molecular consequence: missense variant.
Genome position (GRCh38, 1-based): chr20:50,894,067, C>T on the plus strand (G>A on the coding strand, the complement: ADNP is on the minus strand). VCF-style: chr20-50894067-C-T. GRCh37 (hg19) VCF-style: chr20-49510604-C-T.
Other names: c.647G>A, p.Arg216Gln (NM_001282532.2, NM_001347511.2, NM_015339.5 and 1 more transcripts); short protein forms R216Q.
Identifiers: ClinVar variation 2915526 (VCV002915526.3), dbSNP rs770725626, ClinGen allele CA9908852.

ClinVar aggregate classification (germline): Uncertain significance (1 of 4 stars; one submission).

Allele frequency attached by ClinVar (database versions not stated): gnomAD exomes 0.00001; ExAC 0.00001; TOPMed 0.00005; gnomAD 0.00007.
gnomAD v4.1: 21 of 1,614,184 alleles (0.0013%); highest among the groups gnomAD compares: African/African-American, 0.017%; no homozygotes.

Submission:

Labcorp Genetics (formerly Invitae), Labcorp
Classification: Uncertain significance. Last evaluated: 2025-02-07. Review status: criteria provided, single submitter. Criteria: Invitae Variant Classification Sherloc (09022015). Collection method: clinical testing. Allele origin: germline.
Comment: This sequence change replaces arginine, which is basic and polar, with glutamine, which is neutral and polar, at codon 216 of the ADNP protein (p.Arg216Gln). This variant is present in population databases (rs770725626, gnomAD 0.01%). This missense change has been observed in individual(s) with autism spectrum disorder (PMID: 30564305). This variant is also known as chr20:49510604 C>T. ClinVar contains an entry for this variant (Variation ID: 2915526). An algorithm developed to predict the effect of missense changes on protein structure and function (PolyPhen-2) suggests that this variant is likely to be disruptive. In summary, the available evidence is currently insufficient to determine the role of this variant in disease. Therefore, it has been classified as a Variant of Uncertain Significance.

Literature cited by the submitters: PubMed 30564305.